The following is an entry in ClinVar:

ClinVar aggregate classification (germline): Conflicting classifications of pathogenicity. Review status: criteria provided, conflicting classifications (1 of 4 stars). 6 submissions from 6 submitters: Uncertain significance (2); Benign (3). 1 of the submissions does not count toward it. Last evaluated 2026-01-31.

Conditions:
Early-infantile DEE. Also called: Early infantile epileptic encephalopathy with suppression bursts; Early infantile epileptic encephalopathy; Ohtahara syndrome. Identifiers: Orphanet 1934, MedGen C0393706, MONDO:0800491.
CACNA2D2-related disorder. Also called: CACNA2D2-related condition.
Cerebellar atrophy with seizures and variable developmental delay. Identifiers: MedGen C5193132, MONDO:0032788, OMIM 618501.

Allele frequency attached by ClinVar (database versions not stated): ExAC below 0.00001; 1000 Genomes Project 0.02137; 1000 Genomes Project 30x 0.02217; gnomAD 0.02440 and 0.02637; TOPMed 0.02843.
gnomAD v4.1: 6,065 of 1,189,574 alleles (0.51%); highest among the groups gnomAD compares: African/African-American, 8.2%; 240 homozygotes.

Submissions (6):

Labcorp Genetics (formerly Invitae), Labcorp
Classification: Benign for Early-infantile DEE. Last evaluated: 2026-01-31. Review status: criteria provided, single submitter. Criteria: Invitae Variant Classification Sherloc (09022015). Collection method: clinical testing. Allele origin: germline.

Mayo Clinic Laboratories, Mayo Clinic
Classification: Benign. Last evaluated: 2023-09-19. Review status: criteria provided, single submitter. Criteria: ACMG Guidelines, 2015. Collection method: clinical testing. Allele origin: germline. Observed: 5 variant alleles.
Comment: BA1

GeneDx
Classification: Benign. Last evaluated: 2021-05-04. Review status: criteria provided, single submitter. Criteria: GeneDx Variant Classification Process June 2021. Collection method: clinical testing. Allele origin: germline. Affected: yes.

New York Genome Center
Classification: Uncertain significance for Cerebellar atrophy with seizures and variable developmental delay. Last evaluated: 2019-10-11. Review status: criteria provided, single submitter. Criteria: NYGC Assertion Criteria 2020. Collection method: clinical testing. Allele origin: germline. Inheritance: Autosomal recessive inheritance. Observed: 1 heterozygote. Study: CSER-NYCKidSeq.

Genomic Diagnostic Laboratory, Division of Genomic Diagnostics, Children's Hospital of Philadelphia
Classification: Uncertain significance. Last evaluated: 2015-08-24. Review status: criteria provided, single submitter. Criteria: DGD Variant Analysis Guidelines. Collection method: clinical testing. Allele origin: unknown.

PreventionGenetics, part of Exact Sciences
Classification: Benign for CACNA2D2-related condition. Last evaluated: 2019-04-04. Review status: no assertion criteria provided. Collection method: clinical testing. Allele origin: germline. Not counted in ClinVar's aggregate classification.
Comment: This variant is classified as benign based on ACMG/AMP sequence variant interpretation guidelines (Richards et al. 2015 PMID: 25741868, with internal and published modifications).

NM_006030.4(CACNA2D2):c.160C>T (p.Leu54Phe)

Gene: CACNA2D2 (calcium voltage-gated channel auxiliary subunit alpha2delta 2; minus strand). Cytogenetic location: 3p21.31.
Variant type: single nucleotide variant.
Coding change: c.160C>T on transcript NM_006030.4 (MANE Select); coding-DNA position 160, C replaced by T.
Protein change: p.Leu54Phe; replaces leucine 54 with phenylalanine.
Molecular consequence: missense variant. On other transcripts: intron variant (1).
Genome position (GRCh38, 1-based): chr3:50,503,264, G>A on the plus strand (C>T on the coding strand, the complement: CACNA2D2 is on the minus strand). VCF-style: chr3-50503264-G-A. GRCh37 (hg19) VCF-style: chr3-50540695-G-A.
Other names: p.Leu54Phe; c.160C>T, p.Leu54Phe (NM_001005505.3, NM_001174051.3); c.-2+805C>T (NM_001291101.1); short protein forms L54F.
Identifiers: ClinVar variation 252556 (VCV000252556.19), dbSNP rs569543350, ClinGen allele CA2419308.